The following is an entry in ClinVar:

NM_001166108.2(PALLD):c.2294T>C (p.Ile765Thr)

Genes: CBR4 (carbonyl reductase 4; minus strand), PALLD (palladin, cytoskeletal associated protein; plus strand). Cytogenetic location: 4q32.3.
Variant type: single nucleotide variant.
Coding change: c.2294T>C on transcript NM_001166108.2 (MANE Select); coding-DNA position 2294, T replaced by C.
Protein change: p.Ile765Thr; replaces isoleucine 765 with threonine.
Molecular consequence: missense variant.
Genome position (GRCh38, 1-based): chr4:168,898,536, T>C. VCF-style: chr4-168898536-T-C. GRCh37 (hg19) VCF-style: chr4-169819687-T-C.
Other names: c.1097T>C, p.Ile366Thr (NM_001166109.2); c.782T>C, p.Ile261Thr (NM_001166110.2); c.122T>C, p.Ile41Thr (NM_001367567.1, NM_001367569.1); c.173T>C, p.Ile58Thr (NM_001367568.1, NM_001367570.1); c.2243T>C, p.Ile748Thr (NM_016081.4); c.782T>C (NM_001166110.1); short protein forms I261T, I366T, I41T, I58T, I748T, I765T.
Identifiers: ClinVar variation 1014338 (VCV001014338.9), dbSNP rs749391847, ClinGen allele CA3135868.

ClinVar aggregate classification (germline): Uncertain significance. Review status: criteria provided, multiple submitters, no conflicts (2 of 4 stars). 2 submissions from 2 submitters: Uncertain significance (2). Last evaluated 2025-01-14.

Conditions:
Pancreatic adenocarcinoma. Identifiers: MedGen C0281361, MONDO:0006047, HP:0006725.

Allele frequency attached by ClinVar (database versions not stated): ExAC 0.00001; gnomAD exomes 0.00002.
gnomAD v4.1: 17 of 1,613,724 alleles (0.0011%); highest among the groups gnomAD compares: Non-Finnish European, 0.0014%; no homozygotes.

Submissions (2):

Ambry Genetics
Classification: Uncertain significance. Last evaluated: 2025-01-14. Review status: criteria provided, single submitter. Criteria: Ambry Variant Classification Scheme 2023. Collection method: clinical testing. Allele origin: germline.
Comment: The p.I261T variant (also known as c.782T>C), located in coding exon 4 of the PALLD gene, results from a T to C substitution at nucleotide position 782. The isoleucine at codon 261 is replaced by threonine, an amino acid with similar properties. This amino acid position is conserved. In addition, this alteration is predicted to be deleterious by in silico analysis. Based on the available evidence, the clinical significance of this variant remains unclear.

Labcorp Genetics (formerly Invitae), Labcorp
Classification: Uncertain significance for Pancreatic adenocarcinoma. Last evaluated: 2024-05-08. Review status: criteria provided, single submitter. Criteria: Invitae Variant Classification Sherloc (09022015). Collection method: clinical testing. Allele origin: germline.
Comment: This sequence change replaces isoleucine, which is neutral and non-polar, with threonine, which is neutral and polar, at codon 261 of the PALLD protein (p.Ile261Thr). This variant is present in population databases (rs749391847, gnomAD 0.006%). This variant has not been reported in the literature in individuals affected with PALLD-related conditions. ClinVar contains an entry for this variant (Variation ID: 1014338). An algorithm developed to predict the effect of missense changes on protein structure and function (PolyPhen-2) suggests that this variant is likely to be tolerated. In summary, the available evidence is currently insufficient to determine the role of this variant in disease. Therefore, it has been classified as a Variant of Uncertain Significance.